The following is an entry in ClinVar:

NC_000005.10:g.33984646_33984746del

Gene: SLC45A2 (solute carrier family 45 member 2; minus strand). Cytogenetic location: 5p13.2.
Variant type: Deletion.
Genome position: GRCh38: chr5:33,984,646-33,984,746. GRCh37 (hg19): chr5:33,984,751-33,984,851.
Identifiers: ClinVar variation 4077131 (VCV004077131.1).

ClinVar aggregate classification (germline): Uncertain significance (1 of 4 stars; one submission).

Conditions:
SKIN/HAIR/EYE PIGMENTATION 5, BLACK/NONBLACK HAIR (SHEP5). Also called: SKIN/HAIR/EYE PIGMENTATION, VARIATION IN, 5; SKIN/HAIR/EYE PIGMENTATION 5, DARK/FAIR SKIN; SKIN/HAIR/EYE PIGMENTATION 5, DARK/LIGHT EYES. Identifiers: MedGen C2673584, OMIM 227240.
Oculocutaneous albinism type 4 (OCA4). Also called: Albinism, oculocutaneous, type IV. Identifiers: Orphanet 79435, MedGen C1847836, MONDO:0011683, OMIM 606574.

Submission:

Laboratory of Genetic Epidemiology, Research Centre for Medical Genetics
Classification: Uncertain significance for SKIN/HAIR/EYE PIGMENTATION 5, BLACK/NONBLACK HAIR; Oculocutaneous albinism type 4. Last evaluated: 2025-01-01. Review status: criteria provided, single submitter. Criteria: ACMG Guidelines, 2015. Collection method: clinical testing. Allele origin: paternal. Inheritance: Autosomal recessive inheritance. Affected: yes. Observed: 1 compound heterozygote.
Comment: This deletion truncates the 5′-UTR and promoter region of SLC45A2, potentially disrupting its transcription. It is not listed in gnomAD v2.1.1. Taken together, the variant meets the following ACMG/AMP criteria and can be classified as uncertain significance with PM2, PM3, PP4 criteria.

Literature cited by the submitters: PubMed 41428507.